The following is an entry in ClinVar:

ClinVar aggregate classification (germline): Uncertain significance (1 of 4 stars; one submission).

Submission:

GeneDx
Classification: Uncertain significance. Last evaluated: 2024-03-28. Review status: criteria provided, single submitter. Criteria: GeneDx Variant Classification Process June 2021. Collection method: clinical testing. Allele origin: germline. Affected: yes.
Comment: Not observed at significant frequency in large population cohorts (gnomAD); In silico analysis supports that this missense variant does not alter protein structure/function; Has not been previously published as pathogenic or benign to our knowledge

NM_001142864.4(PIEZO1):c.4794G>C (p.Glu1598Asp)

Gene: PIEZO1 (piezo type mechanosensitive ion channel component 1 (Er blood group); minus strand). Cytogenetic location: 16q24.3.
Variant type: single nucleotide variant.
Coding change: c.4794G>C on transcript NM_001142864.4 (MANE Select); coding-DNA position 4794, G replaced by C.
Protein change: p.Glu1598Asp; replaces glutamic acid 1598 with aspartic acid.
Molecular consequence: missense variant.
Genome position (GRCh38, 1-based): chr16:88,722,379, C>G on the plus strand (G>C on the coding strand, the complement: PIEZO1 is on the minus strand). VCF-style: chr16-88722379-C-G. GRCh37 (hg19) VCF-style: chr16-88788787-C-G.
Other names: short protein forms E1598D.
Identifiers: ClinVar variation 3371585 (VCV003371585.1).
Genomic context (GRCh38, chr16:88,722,379, plus strand): 5'-GCGCGTGTGGTAGCCGGTGCTCAGGGGGCTGCCCATGTCGTCTGTCATGCTGCTGAGTGG[C>G]TCCTCCGCGCCCAGCCCACTGGGGAGGGAAGCCGAGTCACAGAGAATCCTGCTCTATGGC-3'
Protein context (NP_001136336.2, residues 1588-1608): STVSSGLGAE[Glu1598Asp]PLSSMTDDMG